The following is an entry in ClinVar:

ClinVar aggregate classification (germline): Uncertain significance (1 of 4 stars; one submission).

Conditions:
Hereditary cancer-predisposing syndrome. Also called: Neoplastic Syndromes, Hereditary; Tumor predisposition; Hereditary Cancer Syndrome; Hereditary neoplastic syndrome. Identifiers: Orphanet 140162, MedGen C0027672, MeSH D009386, MONDO:0015356.

Submission:

Ambry Genetics
Classification: Uncertain significance for Hereditary cancer-predisposing syndrome. Last evaluated: 2026-05-14. Review status: criteria provided, single submitter. Criteria: Ambry Variant Classification Scheme 2023. Collection method: clinical testing. Allele origin: germline.
Comment: The p.T93A variant (also known as c.277A>G), located in coding exon 3 of the NF2 gene, results from an A to G substitution at nucleotide position 277. The threonine at codon 93 is replaced by alanine, an amino acid with similar properties. This amino acid position is conserved. In addition, the in silico prediction for this alteration is inconclusive. Based on the available evidence, the clinical significance of this variant remains unclear.

NM_000268.4(NF2):c.277A>G (p.Thr93Ala)

Gene: NF2 (NF2, moesin-ezrin-radixin like (MERLIN) tumor suppressor; plus strand). Cytogenetic location: 22q12.2.
Variant type: single nucleotide variant.
Coding change: c.277A>G on transcript NM_000268.4 (MANE Select); coding-DNA position 277, A replaced by G.
Protein change: p.Thr93Ala; replaces threonine 93 with alanine.
Molecular consequence: missense variant. On other transcripts: intron variant (8), 5 prime UTR variant (1).
Genome position (GRCh38, 1-based): chr22:29,639,126, A>G. VCF-style: chr22-29639126-A-G. GRCh37 (hg19) VCF-style: chr22-30035115-A-G.
Other names: c.163A>G, p.Thr55Ala (NM_001407053.1, NM_001407056.1); c.115-3076A>G (NM_181831.3, NM_001407063.1, NM_181830.3 and 1 more transcripts); c.277A>G, p.Thr93Ala (NM_016418.5, NM_181825.3, NM_181832.3 and 5 more transcripts); c.151A>G, p.Thr51Ala (NM_181828.3, NM_001407055.1); c.240+2250A>G (NM_001407058.1, NM_181829.3, NM_001407054.1 and 1 more transcripts); c.-364A>G (NM_001407065.1); c.46A>G, p.Thr16Ala (NM_001407067.1); short protein forms T16A, T51A, T55A, T93A.
Identifiers: ClinVar variation 4861022 (VCV004861022.1).